The following is an entry in ClinVar:

ClinVar aggregate classification (germline): Conflicting classifications of pathogenicity. Review status: criteria provided, conflicting classifications (1 of 4 stars). 3 submissions from 3 submitters: Likely pathogenic (1); Uncertain significance (2). Last evaluated 2025-05-27.

Conditions:
Hypophosphatemic nephrolithiasis/osteoporosis 1. Identifiers: Orphanet 244305, MedGen C2676786, MONDO:0012850, OMIM 612286.
Fanconi renotubular syndrome 2 (FRTS2). Identifiers: MedGen C3150652, MONDO:0013247, OMIM 613388.
Hypercalcemia, infantile, 2 (HCINF2). Identifiers: Orphanet 300547, MedGen C4310473, MONDO:0014851, OMIM 616963.
SLC34A1-related disorder. Also called: SLC34A1-related condition; SLC34A1-related disorders.

gnomAD v4.1: 24 of 1,613,854 alleles (0.0015%); highest among the groups gnomAD compares: South Asian, 0.0055%; no homozygotes.

Submissions (3):

GeneDx
Classification: Uncertain significance. Last evaluated: 2025-05-27. Review status: criteria provided, single submitter. Criteria: GeneDx Variant Classification Process June 2021. Collection method: clinical testing. Allele origin: germline. Affected: yes.
Comment: Reported with a second variant on the opposite allele (in trans) in a patient with nephrolithiasis in published literature (PMID: 25296721); Published functional studies suggest a damaging effect as this variant impairs phosphate transportation due to lack of expression at the cell membrane (PMID: 29924459); In silico analysis supports that this missense variant has a deleterious effect on protein structure/function; This variant is associated with the following publications: (PMID: 29924459, 25296721)

Fulgent Genetics
Classification: Uncertain significance for Hypophosphatemic nephrolithiasis/osteoporosis 1; Fanconi renotubular syndrome 2; Hypercalcemia, infantile, 2. Last evaluated: 2024-03-05. Review status: criteria provided, single submitter. Criteria: ACMG Guidelines, 2015. Collection method: clinical testing. Allele origin: germline.

Blueprint Genetics
Classification: Likely pathogenic for SLC34A1-related disorders. Last evaluated: 2021-08-26. Review status: criteria provided, single submitter. Criteria: ACMG Guidelines, 2015. Collection method: clinical testing. Allele origin: germline. Affected: yes. Observed: 1 variant allele.

NM_003052.5(SLC34A1):c.1534C>T (p.Arg512Cys)

Gene: SLC34A1 (solute carrier family 34 member 1; plus strand). Cytogenetic location: 5q35.3.
Variant type: single nucleotide variant.
Coding change: c.1534C>T on transcript NM_003052.5 (MANE Select); coding-DNA position 1534, C replaced by T.
Protein change: p.Arg512Cys; replaces arginine 512 with cysteine.
Molecular consequence: missense variant.
Genome position (GRCh38, 1-based): chr5:177,397,900, C>T. VCF-style: chr5-177397900-C-T. GRCh37 (hg19) VCF-style: chr5-176824901-C-T.
Other names: c.1534C>T (NM_003052.4); short protein forms R512C.
Identifiers: ClinVar variation 3592151 (VCV003592151.3).